The following is an entry in ClinVar:

NM_006231.4(POLE):c.4729-11C>T

Gene: POLE (DNA polymerase epsilon, catalytic subunit; minus strand). Cytogenetic location: 12q24.33.
Variant type: single nucleotide variant.
Coding change: c.4729-11C>T on transcript NM_006231.4 (MANE Select); 11 bases into the intron before coding-DNA position 4729, C replaced by T.
Molecular consequence: intron variant.
Genome position (GRCh38, 1-based): chr12:132,642,740, G>A on the plus strand (C>T on the coding strand, the complement: POLE is on the minus strand). VCF-style: chr12-132642740-G-A. GRCh37 (hg19) VCF-style: chr12-133219326-G-A.
Identifiers: ClinVar variation 515798 (VCV000515798.5), dbSNP rs1555222633, ClinGen allele CA658798022.

ClinVar aggregate classification (germline): Likely benign. Review status: criteria provided, multiple submitters, no conflicts (2 of 4 stars). 3 submissions from 3 submitters: Likely benign (2). 1 of the submissions does not count toward it. Last evaluated 2023-01-13.

Conditions:
Polymerase proofreading-related adenomatous polyposis. Also called: Polymerase proofreading associated polyposis; Polymerase proofreading–associated polyposis (PPAP). Identifiers: Orphanet 447877, MedGen C5202613, MONDO:0018653.

Allele frequency attached by ClinVar (database versions not stated): gnomAD exomes below 0.00001.
gnomAD v4.1: 3 of 1,613,402 alleles (0.00019%); highest among the groups gnomAD compares: Non-Finnish European, 0.00025%; no homozygotes.

Submissions (3):

Labcorp Genetics (formerly Invitae), Labcorp
Classification: Likely benign. Last evaluated: 2023-01-13. Review status: criteria provided, single submitter. Criteria: Invitae Variant Classification Sherloc (09022015). Collection method: clinical testing. Allele origin: germline.

GeneDx
Classification: Likely benign. Last evaluated: 2018-02-26. Review status: criteria provided, single submitter. Criteria: GeneDx Variant Classification (06012015). Collection method: clinical testing. Allele origin: germline. Affected: yes.
Comment: This variant is considered likely benign or benign based on one or more of the following criteria: it is a conservative change, it occurs at a poorly conserved position in the protein, it is predicted to be benign by multiple in silico algorithms, and/or has population frequency not consistent with disease.

Department of Pathology and Laboratory Medicine, Sinai Health System
Classification: Uncertain significance for Polymerase proofreading-related adenomatous polyposis. Review status: no assertion criteria provided. Collection method: clinical testing. Allele origin: unknown. Affected: yes. Study: The Canadian Open Genetics Repository (COGR). Not counted in ClinVar's aggregate classification.
Comment: The POLE c.4729-11C>T variant was not identified in the literature nor was it identified in dbSNP or the following control databases: the Exome Aggregation Consortium (August 8th 2016) and the Genome Aggregation Database (Feb 27, 2017). The variant was identified in ClinVar (classified as likely benign by GeneDx). The c.4729-11C>T variant is located in the 3' splice region but does not affect the invariant -1 and -2 positions. However, positions -3 and -5 to -12 are part of the splicing consensus sequence and variants involving these positions sometimes affect splicing. Yet, in silico or computational prediction software programs (SpliceSiteFinder, MaxEntScan, NNSPLICE, GeneSplicer) do not predict a difference in splicing. In summary, based on the above information, the clinical significance of this variant cannot be determined with certainty at this time. This variant is classified as a variant of uncertain significance.